The following is an entry in ClinVar:

NM_001673.5(ASNS):c.511G>A (p.Ala171Thr)

Genes: ASNS (asparagine synthetase (glutamine-hydrolyzing); minus strand), CZ1P-ASNS (CZ1P-ASNS readthrough; minus strand). Cytogenetic location: 7q21.3.
Variant type: single nucleotide variant.
Coding change: c.511G>A on transcript NM_001673.5 (MANE Select); coding-DNA position 511, G replaced by A.
Protein change: p.Ala171Thr; replaces alanine 171 with threonine.
Molecular consequence: missense variant. On other transcripts: non-coding transcript variant (1).
Genome position (GRCh38, 1-based): chr7:97,859,375, C>T on the plus strand (G>A on the coding strand, the complement: ASNS is on the minus strand). VCF-style: chr7-97859375-C-T. GRCh37 (hg19) VCF-style: chr7-97488687-C-T.
Other names: c.448G>A, p.Ala150Thr (NM_001178075.2); c.262G>A, p.Ala88Thr (NM_001178076.2, NM_001178077.1); c.511G>A, p.Ala171Thr (NM_001352496.2, NM_133436.3, NM_183356.4); short protein forms A150T, A171T, A88T.
Identifiers: ClinVar variation 1676433 (VCV001676433.6), dbSNP rs149193118, ClinGen allele CA4354753.
Genomic context (GRCh38, chr7:97,859,375, plus strand): 5'-TTAAATCCAAAACTTCATAGTGTCCAGGAAGAAAAGGCTCCACTTTTAAAAAGGGAGTCG[C>T]GGAGTGCTTCAATGTAACAAGACCTAGAAATTCACAATGATACCTTTATTCAAATTAGGT-3'
Protein context (NP_001664.3, residues 161-181): AKGLVTLKHS[Ala171Thr]TPFLKVEPFL

ClinVar aggregate classification (germline): Conflicting classifications of pathogenicity. Review status: criteria provided, conflicting classifications (1 of 4 stars). 3 submissions from 3 submitters: Uncertain significance (2); Likely benign (1). Last evaluated 2026-01-06.

Conditions:
Inborn genetic diseases. Identifiers: MedGen C0950123, MeSH D030342.

Submissions (3):

GeneDx
Classification: Uncertain significance. Last evaluated: 2026-01-06. Review status: criteria provided, single submitter. Criteria: GeneDx Variant Classification Process June 2021. Collection method: clinical testing. Allele origin: germline. Affected: yes.
Comment: In silico analysis suggests that this missense variant does not alter protein structure/function; Has not been previously published as pathogenic or benign to our knowledge

Labcorp Genetics (formerly Invitae), Labcorp
Classification: Uncertain significance. Last evaluated: 2022-10-05. Review status: criteria provided, single submitter. Criteria: Invitae Variant Classification Sherloc (09022015). Collection method: clinical testing. Allele origin: germline.
Comment: This sequence change replaces alanine, which is neutral and non-polar, with threonine, which is neutral and polar, at codon 171 of the ASNS protein (p.Ala171Thr). This variant is present in population databases (rs149193118, gnomAD 0.03%). This variant has not been reported in the literature in individuals affected with ASNS-related conditions. ClinVar contains an entry for this variant (Variation ID: 1676433). Advanced modeling of protein sequence and biophysical properties (such as structural, functional, and spatial information, amino acid conservation, physicochemical variation, residue mobility, and thermodynamic stability) performed at Invitae indicates that this missense variant is not expected to disrupt ASNS protein function. In summary, the available evidence is currently insufficient to determine the role of this variant in disease. Therefore, it has been classified as a Variant of Uncertain Significance.

Ambry Genetics
Classification: Likely benign for Inborn genetic diseases. Last evaluated: 2022-02-24. Review status: criteria provided, single submitter. Criteria: Ambry Variant Classification Scheme 2023. Collection method: clinical testing. Allele origin: germline.